The following is an entry in ClinVar:

NM_000787.4(DBH):c.1239_1242del (p.Thr413_His414insTer)

Gene: DBH (dopamine beta-hydroxylase; plus strand). Cytogenetic location: 9q34.2.
Variant type: Microsatellite.
Coding change: c.1239_1242del on transcript NM_000787.4 (MANE Select); coding-DNA positions 1239 to 1242, 4 bases deleted (ACAC; older notation c.1239_1242delACAC).
Protein change: p.Thr413_His414insTer.
Molecular consequence: frameshift variant.
Genome position (GRCh38, 1-based): chr9:133,651,681-133,651,684, ACAC deleted; deleting any 4 consecutive bases within chr9:133,651,676-133,651,684 gives the same sequence; the c. name uses the placement nearest the transcript's 3' end. VCF-style (leftmost placement, unchanged base first): chr9-133651675-CCACA-C. GRCh37 (hg19) VCF-style: chr9-136516797-CCACA-C.
Identifiers: ClinVar variation 2757215 (VCV002757215.3), dbSNP rs768783966, ClinGen allele CA200972360.
Genomic context (GRCh38, chr9:133,651,675, plus strand): 5'-CAGCCCCCCGACCCCACAGGCACTGCCTCCCTCCGGGATCCACATCTTCGCCTCTCAGCT[CCACA>C]CACACCTGACTGGGAGAAAGGTGGTCACAGTGCTGGTCCGGGACGGCCGGGAGTGGGAGA-3'

ClinVar aggregate classification (germline): Pathogenic (1 of 4 stars; one submission).

Conditions:
Orthostatic hypotension 1 (ORTHYP1). Also called: NORADRENALINE DEFICIENCY; NOREPINEPHRINE DEFICIENCY; Dopamine beta-hydroxylase deficiency; Orthostatic hypotension 1, due to DBH deficiency. Identifiers: Orphanet 230, MedGen C4746777, MONDO:0009123, OMIM 223360.

Submission:

Labcorp Genetics (formerly Invitae), Labcorp
Classification: Pathogenic for Orthostatic hypotension 1. Last evaluated: 2023-09-07. Review status: criteria provided, single submitter. Criteria: Invitae Variant Classification Sherloc (09022015). Collection method: clinical testing. Allele origin: germline.
Comment: This sequence change creates a premature translational stop signal (p.His414*) in the DBH gene. It is expected to result in an absent or disrupted protein product. Loss-of-function variants in DBH are known to be pathogenic (PMID: 7715704, 15060114). This variant is not present in population databases (gnomAD no frequency). For these reasons, this variant has been classified as Pathogenic. This variant has not been reported in the literature in individuals affected with DBH-related conditions.

Literature cited by the submitters: PubMed 7715704; PubMed 15060114.